The following is an entry in ClinVar:

NM_003108.4(SOX11):c.809A>G (p.Tyr270Cys)

Gene: SOX11 (SRY-box transcription factor 11; plus strand). Cytogenetic location: 2p25.2.
Variant type: single nucleotide variant.
Coding change: c.809A>G on transcript NM_003108.4 (MANE Select); coding-DNA position 809, A replaced by G.
Protein change: p.Tyr270Cys; replaces tyrosine 270 with cysteine.
Molecular consequence: missense variant.
Genome position (GRCh38, 1-based): chr2:5,693,530, A>G. VCF-style: chr2-5693530-A-G. GRCh37 (hg19) VCF-style: chr2-5833662-A-G.
Other names: short protein forms Y270C.
Identifiers: ClinVar variation 3251951 (VCV003251951.1), dbSNP rs2465088362.

ClinVar aggregate classification (germline): Uncertain significance (1 of 4 stars; one submission).

Conditions:
Hypogonadotropic hypogonadism. Also called: Hypogonadotrophic hypogonadism; Isolated hypogonadotropic hypogonadism; Hypogonadotropic hypogonadism with or without anosmia; Low gonadotropins (secondary hypogonadism). Identifiers: Orphanet 432, MedGen C0271623, MONDO:0018555, HP:0000044.

Allele frequency attached by ClinVar (database versions not stated): gnomAD exomes below 0.00001.

Submission:

Reproductive Endocrine Unit, Massachusetts General Hospital
Classification: Uncertain significance for HYPOGONADOTROPIC HYPOGONADISM. Last evaluated: 2024-06-25. Review status: criteria provided, single submitter. Criteria: ACMG Guidelines, 2015. Collection method: research. Allele origin: unknown. Affected: yes.
Comment: PM2,PP2,PP3